The following is an entry in ClinVar:

ClinVar aggregate classification (germline): Pathogenic/Likely pathogenic. Review status: criteria provided, multiple submitters, no conflicts (2 of 4 stars). 2 submissions from 2 submitters: Pathogenic (1); Likely pathogenic (1). Last evaluated 2025-08-21.

Conditions:
NSD1-related disorder. Also called: NSD1-related condition.

Submissions (2):

Labcorp Genetics (formerly Invitae), Labcorp
Classification: Pathogenic. Last evaluated: 2025-08-21. Review status: criteria provided, single submitter. Criteria: Invitae Variant Classification Sherloc (09022015). Collection method: clinical testing. Allele origin: germline.
Comment: This sequence change replaces cysteine, which is neutral and slightly polar, with tryptophan, which is neutral and slightly polar, at codon 1895 of the NSD1 protein (p.Cys1895Trp). This variant is not present in population databases (gnomAD no frequency). This missense change has been observed in individual(s) with clinical features of Sotos syndrome (PMID: 15942875; internal data). In at least one individual the variant was observed to be de novo. ClinVar contains an entry for this variant (Variation ID: 858719). Invitae Evidence Modeling of protein sequence and biophysical properties (such as structural, functional, and spatial information, amino acid conservation, physicochemical variation, residue mobility, and thermodynamic stability) indicates that this missense variant is expected to disrupt NSD1 protein function with a positive predictive value of 95%. This variant disrupts the p.Cys1895 amino acid residue in NSD1. Other variant(s) that disrupt this residue have been observed in individuals with NSD1-related conditions (PMID: 14517949), which suggests that this may be a clinically significant amino acid residue. For these reasons, this variant has been classified as Pathogenic.

Blueprint Genetics
Classification: Likely pathogenic for NSD1-related disorders. Last evaluated: 2024-11-15. Review status: criteria provided, single submitter. Criteria: ACMG Guidelines, 2015. Collection method: clinical testing. Allele origin: germline. Affected: yes. Observed: 1 variant allele.

Literature cited by the submitters: PubMed 15942875 (cited by Labcorp Genetics (formerly Invitae), Labcorp); PubMed 14517949 (cited by Labcorp Genetics (formerly Invitae), Labcorp).

NM_022455.5(NSD1):c.5685C>G (p.Cys1895Trp)

Gene: NSD1 (nuclear receptor binding SET domain protein 1; plus strand). Cytogenetic location: 5q35.3.
Variant type: single nucleotide variant.
Coding change: c.5685C>G on transcript NM_022455.5 (MANE Select); coding-DNA position 5685, C replaced by G.
Protein change: p.Cys1895Trp; replaces cysteine 1895 with tryptophan.
Molecular consequence: missense variant.
Genome position (GRCh38, 1-based): chr5:177,280,627, C>G. VCF-style: chr5-177280627-C-G. GRCh37 (hg19) VCF-style: chr5-176707628-C-G.
Other names: c.4812C>G, p.Cys1604Trp (NM_001365684.2, NM_001409308.1, NM_001409309.1 and 1 more transcripts); c.5685C>G, p.Cys1895Trp (NM_001409301.1, NM_001409302.1, NM_001409303.1); c.5265C>G, p.Cys1755Trp (NM_001409304.1); c.4932C>G, p.Cys1644Trp (NM_001409305.1); c.4923C>G, p.Cys1641Trp (NM_001409306.1, NM_001409307.1); short protein forms C1626W, C1895W, C1604W, C1641W, C1644W, C1755W.
Identifiers: ClinVar variation 858719 (VCV000858719.11), dbSNP rs1758797036, ClinGen allele CA362312374.
Genomic context (GRCh38, chr5:177,280,627, plus strand): 5'-AAACCGTCCTATTGGCAGGGTACAGATCTTCACTGCAGACTTATCTGAAATACCCCGTTG[C>G]AACTGTAAAGCTACTGATGAGAACCCCTGTGGGATAGACTCTGAATGCATCAACCGCATG-3'
Protein context (NP_071900.2, residues 1885-1905): FTADLSEIPR[Cys1895Trp]NCKATDENPC